The following is an entry in ClinVar:

ClinVar aggregate classification (germline): Conflicting classifications of pathogenicity. Review status: criteria provided, conflicting classifications (1 of 4 stars). 7 submissions from 6 submitters: Uncertain significance (6); Benign (1). Last evaluated 2025-11-19.

Conditions:
Cardiovascular phenotype. Identifiers: MedGen CN230736.
Hereditary cancer-predisposing syndrome. Also called: Hereditary neoplastic syndrome; Neoplastic Syndromes, Hereditary; Tumor predisposition; Hereditary Cancer Syndrome. Identifiers: Orphanet 140162, MedGen C0027672, MeSH D009386, MONDO:0015356.
Juvenile myelomonocytic leukemia (JMML). Also called: LEUKEMIA, JUVENILE MYELOMONOCYTIC, SOMATIC. Identifiers: Orphanet 86834, MedGen C0349639, MONDO:0011908, OMIM 607785, HP:0012209.
Neurofibromatosis-Noonan syndrome (NFNS). Also called: NEUROFIBROMATOSIS WITH NOONAN PHENOTYPE. Identifiers: Orphanet 638, MedGen C2931482, MONDO:0011035, OMIM 601321. Disease mechanism: loss of function.
Neurofibromatosis, familial spinal (FSNF). Identifiers: Orphanet 636, MedGen C1834235, MONDO:0008078, OMIM 162210. Disease mechanism: loss of function.
Neurofibromatosis, type 1 (NF1). Also called: VON RECKLINGHAUSEN DISEASE; Peripheral type neurofibromatosis; NEUROFIBROMATOSIS, TYPE I, SOMATIC; Neurofibromatosis, type I. Identifiers: Orphanet 636, MedGen C0027831, MONDO:0018975, OMIM 162200. Disease mechanism: loss of function.
Café-au-lait macules with pulmonary stenosis (WTSN). Also called: PULMONIC STENOSIS WITH CAFE-AU-LAIT SPOTS. Identifiers: MedGen C0553586, MONDO:0008672, OMIM 193520.

Allele frequency attached by ClinVar (database versions not stated): gnomAD exomes below 0.00001.

Submissions (7):

Labcorp Genetics (formerly Invitae), Labcorp
Classification: Benign for Neurofibromatosis, type 1. Last evaluated: 2025-11-19. Review status: criteria provided, single submitter. Criteria: Invitae Variant Classification Sherloc (09022015). Collection method: clinical testing. Allele origin: germline.

Fulgent Genetics
Classification: Uncertain significance for Neurofibromatosis, type 1; Neurofibromatosis, familial spinal; Café-au-lait macules with pulmonary stenosis; Neurofibromatosis-Noonan syndrome; Juvenile myelomonocytic leukemia. Last evaluated: 2024-03-19. Review status: criteria provided, single submitter. Criteria: ACMG Guidelines, 2015. Collection method: clinical testing. Allele origin: germline.

Baylor Genetics
Classification: Uncertain significance for Juvenile myelomonocytic leukemia. Last evaluated: 2023-09-27. Review status: criteria provided, single submitter. Criteria: ACMG Guidelines, 2015. Collection method: clinical testing. Allele origin: unknown.

Genome-Nilou Lab
Classification: Uncertain significance for Neurofibromatosis, type 1. Last evaluated: 2022-03-15. Review status: criteria provided, single submitter. Criteria: ACMG Guidelines, 2015. Collection method: clinical testing. Allele origin: germline. Affected: no.

Ambry Genetics
Classification: Uncertain significance for Cardiovascular phenotype; Hereditary cancer-predisposing syndrome. Last evaluated: 2022-01-10. Review status: criteria provided, single submitter. Criteria: Ambry Variant Classification Scheme 2023. Collection method: clinical testing. Allele origin: germline.

ARUP Laboratories, Molecular Genetics and Genomics, ARUP Laboratories
Classification: Uncertain significance. Last evaluated: 2017-08-14. Review status: criteria provided, single submitter. Criteria: ARUP Molecular Germline Variant Investigation Process. Collection method: clinical testing. Allele origin: germline.

Ambry Genetics
Classification: Uncertain significance for Hereditary cancer-predisposing syndrome. Last evaluated: 2016-02-24. Review status: criteria provided, single submitter. Criteria: Ambry Autosomal Dominant and X-Linked criteria (10/2015). Collection method: clinical testing. Allele origin: germline. Observed: 1 variant allele.
Comment: The p.I322T variant (also known as c.965T>C), located in coding exon 9 of the NF1 gene, results from a T to C substitution at nucleotide position 965. The isoleucine at codon 322 is replaced by threonine, an amino acid with similar properties. This variant was not reported in population based cohorts in the following databases: Database of Single Nucleotide Polymorphisms (dbSNP), NHLBI Exome Sequencing Project (ESP), and 1000 Genomes Project. In the ESP, this variant was not observed in 6503 samples (13006 alleles) with coverage at this position. To date, this alteration has been detected with an allele frequency of approximately 0.001% (greater than 110000 alleles tested) in our clinical cohort.This amino acid position is highly conserved in available vertebrate species. In addition, the in silico prediction for this alteration is inconclusive.Since supporting evidence is limited at this time, the clinical significance of this alterationremains unclear.

NM_001042492.3(NF1):c.965T>C (p.Ile322Thr)

Gene: NF1 (neurofibromin 1; plus strand). Cytogenetic location: 17q11.2.
Variant type: single nucleotide variant.
Coding change: c.965T>C on transcript NM_001042492.3 (MANE Select); coding-DNA position 965, T replaced by C.
Protein change: p.Ile322Thr; replaces isoleucine 322 with threonine.
Molecular consequence: missense variant.
Genome position (GRCh38, 1-based): chr17:31,200,498, T>C. VCF-style: chr17-31200498-T-C. GRCh37 (hg19) VCF-style: chr17-29527516-T-C.
Other names: c.965T>C, p.Ile322Thr (NM_000267.4, NM_001128147.3); short protein forms I322T.
Identifiers: ClinVar variation 480101 (VCV000480101.20), dbSNP rs1417994243, ClinGen allele CA398995947.